The following is an entry in ClinVar:

ClinVar aggregate classification (germline): Pathogenic (0 of 4 stars; one submission).

Conditions:
EIF2AK4-related disorder. Also called: EIF2AK4-related condition.

Allele frequency attached by ClinVar (database versions not stated): gnomAD exomes below 0.00001; TOPMed 0.00001.

Submission:

PreventionGenetics, part of Exact Sciences
Classification: Pathogenic for EIF2AK4-related condition. Last evaluated: 2023-11-22. Review status: no assertion criteria provided. Collection method: clinical testing. Allele origin: germline.
Comment: The EIF2AK4 c.1061delG variant is predicted to result in a frameshift and premature protein termination (p.Ser354Thrfs*5). To our knowledge, this variant has not been reported in the literature or in a large population database, indicating this variant is rare. Frameshift variants in EIF2AK4 are expected to be pathogenic. This variant is interpreted as pathogenic.

NM_001013703.4(EIF2AK4):c.1061del (p.Ser354fs)

Gene: EIF2AK4 (eukaryotic translation initiation factor 2 alpha kinase 4; plus strand). Cytogenetic location: 15q15.1.
Variant type: Deletion.
Coding change: c.1061del on transcript NM_001013703.4 (MANE Select); coding-DNA position 1061, one base deleted (G; older notation c.1061delG).
Protein change: p.Ser354fs; shifts the reading frame from serine 354.
Molecular consequence: frameshift variant.
Genome position (GRCh38, 1-based): chr15:39,967,387, G deleted. VCF-style (leftmost placement, unchanged base first): chr15-39967386-AG-A. GRCh37 (hg19) VCF-style: chr15-40259587-AG-A.
Other names: short protein forms S354fs.
Identifiers: ClinVar variation 3042139 (VCV003042139.2), dbSNP rs2034558794, ClinGen allele CA2171561655.